The following is an entry in ClinVar:

NM_015089.4(CUL9):c.296G>A (p.Ser99Asn)

Gene: CUL9 (cullin 9; plus strand). Cytogenetic location: 6p21.1.
Variant type: single nucleotide variant.
Coding change: c.296G>A on transcript NM_015089.4 (MANE Select); coding-DNA position 296, G replaced by A.
Protein change: p.Ser99Asn; replaces serine 99 with asparagine.
Molecular consequence: missense variant.
Genome position (GRCh38, 1-based): chr6:43,184,606, G>A. VCF-style: chr6-43184606-G-A. GRCh37 (hg19) VCF-style: chr6-43152344-G-A.
Other names: c.296G>A (NM_015089.2); short protein forms S99N.
Identifiers: ClinVar variation 2656579 (VCV002656579.25), dbSNP rs199558145, ClinGen allele CA3817036.

ClinVar aggregate classification (germline): Conflicting classifications of pathogenicity. Review status: criteria provided, conflicting classifications (1 of 4 stars). 2 submissions from 2 submitters: Uncertain significance (1); Likely benign (1). Last evaluated 2025-08-08.

Allele frequency attached by ClinVar (database versions not stated): TOPMed 0.00006; ExAC 0.00007; gnomAD exomes 0.00007; gnomAD 0.00013; 1000 Genomes Project 0.00040; 1000 Genomes Project 30x 0.00047.
gnomAD v4.1: 123 of 1,612,660 alleles (0.0076%); highest among the groups gnomAD compares: Middle Eastern, 0.4%; 3 homozygotes.

Submissions (2):

Ambry Genetics
Classification: Uncertain significance. Last evaluated: 2025-08-08. Review status: criteria provided, single submitter. Criteria: Ambry Variant Classification Scheme 2023. Collection method: clinical testing. Allele origin: germline.

CeGaT Center for Human Genetics Tuebingen
Classification: Likely benign. Last evaluated: 2023-07-01. Review status: criteria provided, single submitter. Criteria: CeGaT Center For Human Genetics Tuebingen Variant Classification Criteria Version 2. Collection method: clinical testing. Allele origin: germline. Affected: yes. Observed: 1 variant allele.
Comment: CUL9: BP4